The following is an entry in ClinVar:

NM_000186.4(CFH):c.2651C>A (p.Ser884Tyr)

Gene: CFH (complement factor H; plus strand). Cytogenetic location: 1q31.3.
Variant type: single nucleotide variant.
Coding change: c.2651C>A on transcript NM_000186.4 (MANE Select); coding-DNA position 2651, C replaced by A.
Protein change: p.Ser884Tyr; replaces serine 884 with tyrosine.
Molecular consequence: missense variant.
Genome position (GRCh38, 1-based): chr1:196,737,529, C>A. VCF-style: chr1-196737529-C-A. GRCh37 (hg19) VCF-style: chr1-196706659-C-A.
Other names: p.Ser884Tyr; short protein forms S884Y.
Identifiers: ClinVar variation 724330 (VCV000724330.15), dbSNP rs114743644, ClinGen allele CA1305707.

ClinVar aggregate classification (germline): Conflicting classifications of pathogenicity. Review status: criteria provided, conflicting classifications (1 of 4 stars). 5 submissions from 5 submitters: Uncertain significance (2); Likely benign (3). Last evaluated 2026-09-17.

Conditions:
Atypical hemolytic-uremic syndrome. Identifiers: Orphanet 2134, MedGen C2931788, MONDO:0016244.
Age related macular degeneration 4. Identifiers: MedGen C1853147, MONDO:0012540, OMIM 610698.
Basal laminar drusen. Also called: DRUSEN OF BRUCH MEMBRANE; DRUSEN, CUTICULAR; DRUSEN, EARLY ADULT-ONSET, GROUPED. Identifiers: Orphanet 75376, MedGen C0730295, MONDO:0007472, OMIM 126700.
Factor H deficiency (CFHD). Also called: CFH DEFICIENCY; COMPLEMENT FACTOR H DEFICIENCY. Identifiers: Orphanet 200421, MedGen C0398777, MONDO:0012350, OMIM 609814.

Allele frequency attached by ClinVar (database versions not stated): gnomAD exomes 0.00010; ExAC 0.00029; 1000 Genomes Project 30x 0.00078; 1000 Genomes Project 0.00080; ESP Exome Variant Server 0.00100; gnomAD 0.00106 and 0.00114; TOPMed 0.00123.
gnomAD v4.1: 304 of 1,613,246 alleles (0.019%); highest among the groups gnomAD compares: African/African-American, 0.37%; no homozygotes.

Submissions (5):

Genomenon, Inc
Classification: Likely benign for Age related macular degeneration 4; Atypical hemolytic-uremic syndrome; Factor H deficiency; Basal laminar drusen. Last evaluated: 2026-09-17. Review status: criteria provided, single submitter. Criteria: Genomenon Sequence Variant Interpretation Standards - Updated. Collection method: curation. Allele origin: germline. Affected: no.
Comment: CFH p.Ser884Tyr (c.2651C>A) is a missense variant that changes the amino acid at codon 884 from serine to tyrosine. This variant has been reported in the published literature (PMID: 35925583; 36036675; 32203225; 29326307; 27905547). In silico models predict that this variant is not damaging. This variant's allele frequency in gnomAD is greater than expected for this disorder. In conclusion, we classify CFH p.Ser884Tyr (c.2651C>A) as a likely benign variant.

Labcorp Genetics (formerly Invitae), Labcorp
Classification: Likely benign. Last evaluated: 2026-01-14. Review status: criteria provided, single submitter. Criteria: Invitae Variant Classification Sherloc (09022015). Collection method: clinical testing. Allele origin: germline.

Mayo Clinic Laboratories, Mayo Clinic
Classification: Uncertain significance. Last evaluated: 2025-02-21. Review status: criteria provided, single submitter. Criteria: ACMG Guidelines, 2015. Collection method: clinical testing. Allele origin: germline. Observed: 6 variant alleles.
Comment: BP4

Women's Health and Genetics/Laboratory Corporation of America, LabCorp
Classification: Likely benign. Last evaluated: 2024-12-02. Review status: criteria provided, single submitter. Criteria: LabCorp Variant Classification Summary - May 2015. Collection method: clinical testing. Allele origin: germline.
Comment: Variant summary: CFH c.2651C>A (p.Ser884Tyr) results in a non-conservative amino acid change located in the Sushi/CCP/SCR domain (IPR000436) of the encoded protein sequence. Four of five in-silico tools predict a benign effect of the variant on protein function. The variant allele was found at a frequency of 0.00022 in 251064 control chromosomes, predominantly at a frequency of 0.0031 within the African or African-American subpopulation in the gnomAD database. The observed variant frequency within African or African-American control individuals in the gnomAD database exceeds the estimated maximal expected allele frequency for a pathogenic variant in CFH causing CFH-Related Disorders phenotype. c.2651C>A has been reported in the literature in individuals affected with CFH-Related Disorders, without strong evidence for causality (Prata_2023, Thomas_2020). These report(s) do not provide unequivocal conclusions about association of the variant with CFH-Related Disorders. To our knowledge, no experimental evidence demonstrating an impact on protein function has been reported. The following publications have been ascertained in the context of this evaluation (PMID: 36626252, 32203225). ClinVar contains an entry for this variant (Variation ID: 724330). Based on the evidence outlined above, the variant was classified as likely benign.

Blueprint Genetics
Classification: Uncertain significance. Last evaluated: 2024-09-05. Review status: criteria provided, single submitter. Criteria: ACMG Guidelines, 2015. Collection method: clinical testing. Allele origin: germline.

Literature cited by the submitters: PubMed 35925583 (cited by Genomenon, Inc); PubMed 36036675 (cited by Genomenon, Inc); PubMed 32203225 (cited by 3 submitters); PubMed 29326307 (cited by Genomenon, Inc); PubMed 27905547 (cited by Genomenon, Inc); PubMed 36626252 (cited by Mayo Clinic Laboratories, Mayo Clinic and Women's Health and Genetics/Laboratory Corporation of America, LabCorp).